The following is an entry in ClinVar:

NM_001127222.2(CACNA1A):c.1870A>T (p.Ile624Phe)

Gene: CACNA1A (calcium voltage-gated channel subunit alpha1 A; minus strand). Cytogenetic location: 19p13.13.
Variant type: single nucleotide variant.
Coding change: c.1870A>T on transcript NM_001127222.2 (MANE Select); coding-DNA position 1870, A replaced by T.
Protein change: p.Ile624Phe; replaces isoleucine 624 with phenylalanine.
Molecular consequence: missense variant.
Genome position (GRCh38, 1-based): chr19:13,308,163, T>A on the plus strand (A>T on the coding strand, the complement: CACNA1A is on the minus strand). VCF-style: chr19-13308163-T-A. GRCh37 (hg19) VCF-style: chr19-13418977-T-A.
Other names: c.1873A>T, p.Ile625Phe (NM_000068.4, NM_001127221.2, NM_001174080.2 and 1 more transcripts); short protein forms I624F, I625F.
Identifiers: ClinVar variation 1699909 (VCV001699909.2), dbSNP rs2145004096, ClinGen allele CA404344803.

ClinVar aggregate classification (germline): Likely pathogenic (1 of 4 stars; one submission).

Conditions:
Developmental and epileptic encephalopathy, 42 (DEE42A). Also called: DEVELOPMENTAL AND EPILEPTIC ENCEPHALOPATHY 42A; EPILEPTIC ENCEPHALOPATHY, EARLY INFANTILE, 42A; Epileptic encephalopathy, early infantile, 42. Identifiers: MedGen C4310716, MONDO:0014917, OMIM 617106.
Spinocerebellar ataxia type 6 (SCA6). Identifiers: Orphanet 98758, MedGen C0752124, MONDO:0008457, OMIM 183086.

Submission:

Cytogenetique et Genetique Moleculaire, CHU Besancon
Classification: Likely pathogenic for Spinocerebellar ataxia type 6; Developmental and epileptic encephalopathy, 42. Last evaluated: 2022-07-05. Review status: criteria provided, single submitter. Criteria: ACMG Guidelines 2015. Collection method: clinical testing. Allele origin: de novo. Inheritance: Autosomal dominant inheritance. Affected: yes. Observed: 1 variant allele.

Literature cited by the submitters: PubMed 33737904.